The following is an entry in ClinVar:

ClinVar aggregate classification (germline): Likely pathogenic (1 of 4 stars; one submission).

Conditions:
Granulomatous disease, chronic, X-linked. Also called: CYTOCHROME b-NEGATIVE GRANULOMATOUS DISEASE, CHRONIC, X-LINKED; GRANULOMATOUS DISEASE, CHRONIC, X-LINKED, SOMATIC MOSAIC. Identifiers: Orphanet 379, MedGen C1844376, MONDO:0010600, OMIM 306400.

Submission:

Labcorp Genetics (formerly Invitae), Labcorp
Classification: Likely pathogenic for Granulomatous disease, chronic, X-linked. Last evaluated: 2019-04-02. Review status: criteria provided, single submitter. Criteria: Invitae Variant Classification Sherloc (09022015). Collection method: clinical testing. Allele origin: germline.
Comment: In summary, the currently available evidence indicates that the variant is pathogenic, but additional data are needed to prove that conclusively. Therefore, this variant has been classified as Likely Pathogenic. Nucleotide substitutions within the consensus splice site are a relatively common cause of aberrant splicing (PMID: 17576681, 9536098). Experimental studies have shown that this variant disrupts mRNA splicing (PMID: 10089913). This variant has been observed in several individuals with clinical features of chronic granulomatous disease (PMID: 10089913, 20729109, Invitae). This variant is not present in population databases (ExAC no frequency). This sequence change falls in intron 5 of the CYBB gene. It does not directly change the encoded amino acid sequence of the CYBB protein, but it affects a nucleotide within the consensus splice site of the intron.

Literature cited by the submitters: PubMed 17576681; PubMed 9536098; PubMed 10089913; PubMed 20729109.

NM_000397.4(CYBB):c.483+5G>A

Gene: CYBB (cytochrome b-245 beta chain; plus strand). Cytogenetic location: Xp21.1.
Variant type: single nucleotide variant.
Coding change: c.483+5G>A on transcript NM_000397.4 (MANE Select); 5 bases into the intron after coding-DNA position 483, G replaced by A.
Molecular consequence: intron variant.
Genome position (GRCh38, 1-based): chrX:37,793,815, G>A. VCF-style: chrX-37793815-G-A. GRCh37 (hg19) VCF-style: chrX-37653068-G-A.
Identifiers: ClinVar variation 856932 (VCV000856932.8), dbSNP rs1929245964, ClinGen allele CA916081975.